The following is an entry in ClinVar:

ClinVar aggregate classification (germline): Uncertain significance. Review status: criteria provided, multiple submitters, no conflicts (2 of 4 stars). 3 submissions from 3 submitters: Uncertain significance (3). Last evaluated 2024-01-23.

Conditions:
Inborn genetic diseases. Identifiers: MedGen C0950123, MeSH D030342.
Muscular dystrophy-dystroglycanopathy (congenital with brain and eye anomalies), type a, 11 (MDDGA11). Also called: WALKER-WARBURG SYNDROME OR MUSCLE-EYE-BRAIN DISEASE, B3GALNT2-RELATED; Congenital muscular dystrophy-dystroglycanopathy with brain and eye anomalies, type A11; Muscular dystrophy-dystroglycanopathy (congenital with brain and eye anomalies, type A, 11. Identifiers: Orphanet 588, Orphanet 899, MedGen C3554638, MONDO:0014071, OMIM 615181.

Allele frequency attached by ClinVar (database versions not stated): gnomAD 0.00004 and 0.00005; gnomAD exomes 0.00005 and 0.00012; TOPMed 0.00014.
gnomAD v4.1: 167 of 1,473,314 alleles (0.011%); highest among the groups gnomAD compares: Non-Finnish European, 0.015%; 1 homozygote.

Submissions (3):

Ambry Genetics
Classification: Uncertain significance for Inborn genetic diseases. Last evaluated: 2024-01-23. Review status: criteria provided, single submitter. Criteria: Ambry Variant Classification Scheme 2023. Collection method: clinical testing. Allele origin: germline.

Labcorp Genetics (formerly Invitae), Labcorp
Classification: Uncertain significance for Muscular dystrophy-dystroglycanopathy (congenital with brain and eye anomalies), type a, 11. Last evaluated: 2022-08-16. Review status: criteria provided, single submitter. Criteria: Invitae Variant Classification Sherloc (09022015). Collection method: clinical testing. Allele origin: germline.
Comment: This sequence change replaces cysteine, which is neutral and slightly polar, with glycine, which is neutral and non-polar, at codon 11 of the B3GALNT2 protein (p.Cys11Gly). This variant is present in population databases (no rsID available, gnomAD 0.01%). This variant has not been reported in the literature in individuals affected with B3GALNT2-related conditions. ClinVar contains an entry for this variant (Variation ID: 955142). Algorithms developed to predict the effect of missense changes on protein structure and function are either unavailable or do not agree on the potential impact of this missense change (SIFT: "Deleterious"; PolyPhen-2: "Probably Damaging"; Align-GVGD: "Class C0"). In summary, the available evidence is currently insufficient to determine the role of this variant in disease. Therefore, it has been classified as a Variant of Uncertain Significance.

Revvity Omics, Revvity
Classification: Uncertain significance for Muscular dystrophy-dystroglycanopathy (congenital with brain and eye anomalies), type a, 11. Last evaluated: 2019-07-08. Review status: criteria provided, single submitter. Criteria: ACMG Guidelines, 2015. Collection method: clinical testing. Allele origin: germline.

NM_152490.5(B3GALNT2):c.31T>G (p.Cys11Gly)

Gene: B3GALNT2 (beta-1,3-N-acetylgalactosaminyltransferase 2; minus strand). Cytogenetic location: 1q42.3.
Variant type: single nucleotide variant.
Coding change: c.31T>G on transcript NM_152490.5 (MANE Select); coding-DNA position 31, T replaced by G.
Protein change: p.Cys11Gly; replaces cysteine 11 with glycine.
Molecular consequence: missense variant.
Genome position (GRCh38, 1-based): chr1:235,504,222, A>C on the plus strand (T>G on the coding strand, the complement: B3GALNT2 is on the minus strand). VCF-style: chr1-235504222-A-C. GRCh37 (hg19) VCF-style: chr1-235667522-A-C.
Other names: c.31T>G, p.Cys11Gly (NM_001277155.3); c.31T>G (NM_152490.3, NM_152490.2); short protein forms C11G.
Identifiers: ClinVar variation 955142 (VCV000955142.7), dbSNP rs953296331, ClinGen allele CA39594020.